The following is an entry in ClinVar:

ClinVar aggregate classification (germline): Uncertain significance (1 of 4 stars; one submission).

Conditions:
3-hydroxy-3-methylglutaryl-CoA synthase deficiency (HMGCS2D). Also called: HMGCS2 DEFICIENCY; HMG-CoA synthase-2 deficiency; MITOCHONDRIAL HMG-CoA SYNTHASE DEFICIENCY. Identifiers: Orphanet 35701, MedGen C2751532, MONDO:0011614, OMIM 605911.

Allele frequency attached by ClinVar (database versions not stated): gnomAD exomes below 0.00001 and 0.00001; ExAC 0.00001.

Submission:

Labcorp Genetics (formerly Invitae), Labcorp
Classification: Uncertain significance for 3-hydroxy-3-methylglutaryl-CoA synthase deficiency. Last evaluated: 2021-02-17. Review status: criteria provided, single submitter. Criteria: Invitae Variant Classification Sherloc (09022015). Collection method: clinical testing. Allele origin: germline.
Comment: This sequence change replaces serine with isoleucine at codon 484 of the HMGCS2 protein (p.Ser484Ile). The serine residue is weakly conserved and there is a large physicochemical difference between serine and isoleucine. This variant is present in population databases (rs763005476, ExAC 0.009%). This variant has not been reported in the literature in individuals with HMGCS2-related conditions. Algorithms developed to predict the effect of missense changes on protein structure and function (SIFT, PolyPhen-2, Align-GVGD) all suggest that this variant is likely to be tolerated, but these predictions have not been confirmed by published functional studies and their clinical significance is uncertain. In summary, the available evidence is currently insufficient to determine the role of this variant in disease. Therefore, it has been classified as a Variant of Uncertain Significance.

NM_005518.4(HMGCS2):c.1451G>T (p.Ser484Ile)

Gene: HMGCS2 (3-hydroxy-3-methylglutaryl-CoA synthase 2; minus strand). Cytogenetic location: 1p12.
Variant type: single nucleotide variant.
Coding change: c.1451G>T on transcript NM_005518.4 (MANE Select); coding-DNA position 1451, G replaced by T.
Protein change: p.Ser484Ile; replaces serine 484 with isoleucine.
Molecular consequence: missense variant.
Genome position (GRCh38, 1-based): chr1:119,750,878, C>A on the plus strand (G>T on the coding strand, the complement: HMGCS2 is on the minus strand). VCF-style: chr1-119750878-C-A. GRCh37 (hg19) VCF-style: chr1-120293501-C-A.
Other names: c.1325G>T, p.Ser442Ile (NM_001166107.1); short protein forms S484I, S442I.
Identifiers: ClinVar variation 1479228 (VCV001479228.8), dbSNP rs763005476, ClinGen allele CA1037533.
Genomic context (GRCh38, chr1:119,750,878, plus strand): 5'-GCATACTTTCGGCGATGCTGCTCGTCCACTCGCTCCAGGTACCAAGTACCTGGGAAAAGG[C>A]TGTTTGTGTCACCAGGTGGGGAGAAATTCACTGTGGAATGAGGAGAAGAGGCAGTACTCA-3'
Protein context (NP_005509.1, residues 474-494): VNFSPPGDTN[Ser484Ile]LFPGTWYLER